The following is an entry in ClinVar:

NM_001385641.1(SAMD11):c.2319C>T (p.Tyr773=)

Gene: SAMD11 (sterile alpha motif domain containing 11; plus strand). Cytogenetic location: 1p36.33.
Variant type: single nucleotide variant.
Coding change: c.2319C>T on transcript NM_001385641.1 (MANE Select); coding-DNA position 2319, C replaced by T.
Protein change: p.Tyr773=; no amino-acid change (tyrosine 773 retained).
Molecular consequence: synonymous variant.
Genome position (GRCh38, 1-based): chr1:943,937, C>T. VCF-style: chr1-943937-C-T. GRCh37 (hg19) VCF-style: chr1-879317-C-T.
Other names: c.2322C>T, p.Tyr774= (NM_001385640.1); c.1830C>T, p.Tyr610= (NM_152486.4); c.1830C>T (NM_152486.2).
Identifiers: ClinVar variation 1168913 (VCV001168913.12), dbSNP rs7523549, ClinGen allele CA503333.
Genomic context (GRCh38, chr1:943,937, plus strand): 5'-CGACAGCCCCCACCAGGCCATCTCTCTGCAGGTGGCCAGGCGCCTGGGCCGAGTTTTCTA[C>T]GTGGCCAGCTTCCCCGTGGCTCTGCCACTGCAGCCACCAACCCTGCGGGCCCCGGAGCGA-3'
Protein context (NP_001372570.1, residues 763-783): QVARRLGRVF[Tyr773=]VASFPVALPL

ClinVar aggregate classification (germline): Benign. Review status: criteria provided, multiple submitters, no conflicts (2 of 4 stars). 3 submissions from 3 submitters: Benign (2). 1 of the submissions does not count toward it. Last evaluated 2026-02-02.

Conditions:
SAMD11-related disorder. Also called: SAMD11-related condition.

Allele frequency attached by ClinVar (database versions not stated): ExAC 0.04803; gnomAD 0.08131 and 0.08454; gnomAD exomes 0.04582 and 0.03341; 1000 Genomes Project 0.09125; 1000 Genomes Project 30x 0.09400; ESP Exome Variant Server 0.08238; TOPMed 0.08650.
gnomAD v4.1: 61,664 of 1,612,608 alleles (3.8%); highest among the groups gnomAD compares: African/African-American, 20%; 2,380 homozygotes.

Submissions (3):

Labcorp Genetics (formerly Invitae), Labcorp
Classification: Benign. Last evaluated: 2026-02-02. Review status: criteria provided, single submitter. Criteria: Invitae Variant Classification Sherloc (09022015). Collection method: clinical testing. Allele origin: germline.

Breakthrough Genomics
Classification: Benign. Review status: criteria provided, single submitter. Criteria: ACMG Guidelines, 2015. Collection method: not provided. Allele origin: germline. Inheritance: Unknown mechanism. Affected: yes.

PreventionGenetics, part of Exact Sciences
Classification: Benign for SAMD11-related condition. Last evaluated: 2019-03-12. Review status: no assertion criteria provided. Collection method: clinical testing. Allele origin: germline. Not counted in ClinVar's aggregate classification.
Comment: This variant is classified as benign based on ACMG/AMP sequence variant interpretation guidelines (Richards et al. 2015 PMID: 25741868, with internal and published modifications).